The following is an entry in ClinVar:

NM_000095.3(COMP):c.1318G>C (p.Gly440Arg)

Gene: COMP (cartilage oligomeric matrix protein; minus strand). Cytogenetic location: 19p13.11.
Variant type: single nucleotide variant.
Coding change: c.1318G>C on transcript NM_000095.3 (MANE Select); coding-DNA position 1318, G replaced by C.
Protein change: p.Gly440Arg; replaces glycine 440 with arginine.
Molecular consequence: missense variant.
Genome position (GRCh38, 1-based): chr19:18,786,136, C>G on the plus strand (G>C on the coding strand, the complement: COMP is on the minus strand). VCF-style: chr19-18786136-C-G. GRCh37 (hg19) VCF-style: chr19-18896946-C-G.
Other names: short protein forms G440R.
Identifiers: ClinVar variation 811306 (VCV000811306.15), dbSNP rs1601053997, ClinGen allele CA404885276.

ClinVar aggregate classification (germline): Pathogenic/Likely pathogenic. Review status: criteria provided, multiple submitters, no conflicts (2 of 4 stars). 2 submissions from 2 submitters: Pathogenic (1); Likely pathogenic (1). Last evaluated 2023-03-22.

Allele frequency attached by ClinVar (database versions not stated): gnomAD exomes below 0.00001.
gnomAD v4.1: 1 of 1,614,170 alleles (0.000062%); highest among the groups gnomAD compares: Non-Finnish European, 0.000085%; no homozygotes.

Submissions (2):

Labcorp Genetics (formerly Invitae), Labcorp
Classification: Pathogenic. Last evaluated: 2023-03-22. Review status: criteria provided, single submitter. Criteria: Invitae Variant Classification Sherloc (09022015). Collection method: clinical testing. Allele origin: germline.
Comment: This sequence change replaces glycine, which is neutral and non-polar, with arginine, which is basic and polar, at codon 440 of the COMP protein (p.Gly440Arg). This variant is not present in population databases (gnomAD no frequency). This missense change has been observed in individuals with pseudoachondroplasia or multiple epiphyseal dysplasia (PMID: 9452026, 15756302, 21644213, 21965141). ClinVar contains an entry for this variant (Variation ID: 811306). Advanced modeling of protein sequence and biophysical properties (such as structural, functional, and spatial information, amino acid conservation, physicochemical variation, residue mobility, and thermodynamic stability) performed at Invitae indicates that this missense variant is expected to disrupt COMP protein function. For these reasons, this variant has been classified as Pathogenic.

ARUP Laboratories, Molecular Genetics and Genomics, ARUP Laboratories
Classification: Likely pathogenic. Last evaluated: 2019-02-15. Review status: criteria provided, single submitter. Criteria: ARUP Molecular Germline Variant Investigation Process. Collection method: clinical testing. Allele origin: germline.
Comment: The p.Gly440Arg is absent from general population databases such as 1000 Genomes, NHLBI GO Exome Sequencing Project (ESP), and the Genome Aggregation Database (gnomAD). The glycine at position 440 is highly conserved in the calcium-binding type 3 repeat domain and computational analyses of the effects of the p.Gly440Arg variant on protein structure and function indicate a deleterious effect (SIFT: damaging, PolyPhen-2: probably damaging). Overall the p.Gly440Arg variant meets our criteria for a classification of likely pathogenic.

Literature cited by the submitters: PubMed 9452026 (cited by Labcorp Genetics (formerly Invitae), Labcorp); PubMed 15756302 (cited by Labcorp Genetics (formerly Invitae), Labcorp); PubMed 21644213 (cited by Labcorp Genetics (formerly Invitae), Labcorp); PubMed 21965141 (cited by Labcorp Genetics (formerly Invitae), Labcorp).